The following is an entry in ClinVar:

ClinVar aggregate classification (germline): Uncertain significance (1 of 4 stars; one submission).

Conditions:
Myofibrillar myopathy 5. Also called: Filaminopathy (type); FILAMINOPATHY, AUTOSOMAL DOMINANT. Identifiers: Orphanet 171445, MedGen C1836050, MONDO:0012289, OMIM 609524.
Hypertrophic cardiomyopathy 26. Also called: Cardiomyopathy, familial hypertrophic, 26. Identifiers: Orphanet 75249, MedGen C4310749, MONDO:0014883, OMIM 617047.
Distal myopathy with posterior leg and anterior hand involvement. Also called: WILLIAMS DISTAL MYOPATHY. Identifiers: Orphanet 63273, MedGen C3279722, MONDO:0013550, OMIM 614065.

Submission:

Labcorp Genetics (formerly Invitae), Labcorp
Classification: Uncertain significance for Distal myopathy with posterior leg and anterior hand involvement; Myofibrillar myopathy 5; Hypertrophic cardiomyopathy 26. Last evaluated: 2023-09-13. Review status: criteria provided, single submitter. Criteria: Invitae Variant Classification Sherloc (09022015). Collection method: clinical testing. Allele origin: germline.
Comment: Advanced modeling of protein sequence and biophysical properties (such as structural, functional, and spatial information, amino acid conservation, physicochemical variation, residue mobility, and thermodynamic stability) has been performed at Invitae for this missense variant, however the output from this modeling did not meet the statistical confidence thresholds required to predict the impact of this variant on FLNC protein function. This variant has not been reported in the literature in individuals affected with FLNC-related conditions. This variant is not present in population databases (gnomAD no frequency). This sequence change replaces phenylalanine, which is neutral and non-polar, with leucine, which is neutral and non-polar, at codon 906 of the FLNC protein (p.Phe906Leu). In summary, the available evidence is currently insufficient to determine the role of this variant in disease. Therefore, it has been classified as a Variant of Uncertain Significance.

NM_001458.5(FLNC):c.2718T>G (p.Phe906Leu)

Gene: FLNC (filamin C; plus strand). Cytogenetic location: 7q32.1.
Variant type: single nucleotide variant.
Coding change: c.2718T>G on transcript NM_001458.5 (MANE Select); coding-DNA position 2718, T replaced by G.
Protein change: p.Phe906Leu; replaces phenylalanine 906 with leucine.
Molecular consequence: missense variant.
Genome position (GRCh38, 1-based): chr7:128,843,484, T>G. VCF-style: chr7-128843484-T-G. GRCh37 (hg19) VCF-style: chr7-128483538-T-G.
Other names: c.2718T>G, p.Phe906Leu (NM_001127487.2); short protein forms F906L.
Identifiers: ClinVar variation 2946872 (VCV002946872.3), dbSNP rs2536633827, ClinGen allele CA369193022.